The following is an entry in ClinVar:

NM_001042492.3(NF1):c.2724del (p.Val909fs)

Gene: NF1 (neurofibromin 1; plus strand). Cytogenetic location: 17q11.2.
Variant type: Deletion.
Coding change: c.2724del on transcript NM_001042492.3 (MANE Select); coding-DNA position 2724, one base deleted (A; older notation c.2724delA).
Protein change: p.Val909fs; shifts the reading frame from valine 909.
Molecular consequence: frameshift variant.
Genome position (GRCh38, 1-based): chr17:31,229,339, A deleted; the last of 3 consecutive A bases (chr17:31,229,337-31,229,339); deleting any one gives the same sequence. VCF-style (leftmost placement, unchanged base first): chr17-31229336-GA-G. GRCh37 (hg19) VCF-style: chr17-29556354-GA-G.
Other names: c.2724delA, p.Val909Trpfs (NM_000267.4); short protein forms V909fs.
Identifiers: ClinVar variation 1072944 (VCV001072944.5), dbSNP rs2067072110, ClinGen allele CA2499224061.

ClinVar aggregate classification (germline): Pathogenic (1 of 4 stars; one submission).

Conditions:
Neurofibromatosis, type 1 (NF1). Also called: VON RECKLINGHAUSEN DISEASE; Peripheral type neurofibromatosis; NEUROFIBROMATOSIS, TYPE I, SOMATIC; Neurofibromatosis, type I. Identifiers: Orphanet 636, MedGen C0027831, MONDO:0018975, OMIM 162200. Disease mechanism: loss of function.

Submission:

Labcorp Genetics (formerly Invitae), Labcorp
Classification: Pathogenic for Neurofibromatosis, type 1. Last evaluated: 2020-09-11. Review status: criteria provided, single submitter. Criteria: Invitae Variant Classification Sherloc (09022015). Collection method: clinical testing. Allele origin: germline.
Comment: This sequence change creates a premature translational stop signal (p.Val909Trpfs*15) in the NF1 gene. It is expected to result in an absent or disrupted protein product. For these reasons, this variant has been classified as Pathogenic. Loss-of-function variants in NF1 are known to be pathogenic (PMID: 10712197, 23913538). This variant has not been reported in the literature in individuals with NF1-related conditions. This variant is not present in population databases (ExAC no frequency).

Literature cited by the submitters: PubMed 10712197; PubMed 23913538.